The following is an entry in ClinVar:

NM_001166108.2(PALLD):c.415A>C (p.Lys139Gln)

Gene: PALLD (palladin, cytoskeletal associated protein; plus strand). Cytogenetic location: 4q32.3.
Variant type: single nucleotide variant.
Coding change: c.415A>C on transcript NM_001166108.2 (MANE Select); coding-DNA position 415, A replaced by C.
Protein change: p.Lys139Gln; replaces lysine 139 with glutamine.
Molecular consequence: missense variant.
Genome position (GRCh38, 1-based): chr4:168,511,919, A>C. VCF-style: chr4-168511919-A-C. GRCh37 (hg19) VCF-style: chr4-169433070-A-C.
Other names: c.415A>C, p.Lys139Gln (NM_016081.4); short protein forms K139Q.
Identifiers: ClinVar variation 2623011 (VCV002623011.2), dbSNP rs2531432109, ClinGen allele CA358725930.

ClinVar aggregate classification (germline): Uncertain significance (1 of 4 stars; one submission).

Submission:

Ambry Genetics
Classification: Uncertain significance. Last evaluated: 2023-07-09. Review status: criteria provided, single submitter. Criteria: Ambry Variant Classification Scheme 2023. Collection method: clinical testing. Allele origin: germline.
Comment: The p.K139Q variant (also known as c.415A>C), located in coding exon 1 of the PALLD gene, results from an A to C substitution at nucleotide position 415. The lysine at codon 139 is replaced by glutamine, an amino acid with similar properties. This amino acid position is conserved. In addition, this alteration is predicted to be tolerated by in silico analysis. Since supporting evidence is limited at this time, the clinical significance of this alteration remains unclear.